The following is an entry in ClinVar:

NM_020832.3(ZNF687):c.557G>A (p.Arg186Gln)

Gene: ZNF687 (zinc finger protein 687; plus strand). Cytogenetic location: 1q21.3.
Variant type: single nucleotide variant.
Coding change: c.557G>A on transcript NM_020832.3 (MANE Select); coding-DNA position 557, G replaced by A.
Protein change: p.Arg186Gln; replaces arginine 186 with glutamine.
Molecular consequence: missense variant.
Genome position (GRCh38, 1-based): chr1:151,286,848, G>A. VCF-style: chr1-151286848-G-A. GRCh37 (hg19) VCF-style: chr1-151259324-G-A.
Other names: c.557G>A, p.Arg186Gln (NM_001304763.2, NM_001304764.2); c.557G>A (NM_020832.1); short protein forms R186Q.
Identifiers: ClinVar variation 2174642 (VCV002174642.6), dbSNP rs770670817, ClinGen allele CA1088174.

ClinVar aggregate classification (germline): Conflicting classifications of pathogenicity. Review status: criteria provided, conflicting classifications (1 of 4 stars). 3 submissions from 3 submitters: Uncertain significance (2); Likely benign (1). Last evaluated 2025-12-01.

Conditions:
Paget disease of bone 6 (PDB6). Identifiers: MedGen C4085250, MONDO:0014792, OMIM 616833.

Allele frequency attached by ClinVar (database versions not stated): ExAC 0.00003; gnomAD 0.00005; TOPMed 0.00006.
gnomAD v4.1: 34 of 1,613,944 alleles (0.0021%); highest among the groups gnomAD compares: South Asian, 0.015%; no homozygotes.

Submissions (3):

Labcorp Genetics (formerly Invitae), Labcorp
Classification: Uncertain significance. Last evaluated: 2025-12-01. Review status: criteria provided, single submitter. Criteria: Invitae Variant Classification Sherloc (09022015). Collection method: clinical testing. Allele origin: germline.
Comment: This sequence change replaces arginine, which is basic and polar, with glutamine, which is neutral and polar, at codon 186 of the ZNF687 protein (p.Arg186Gln). This variant is present in population databases (rs770670817, gnomAD 0.02%). This variant has not been reported in the literature in individuals affected with ZNF687-related conditions. ClinVar contains an entry for this variant (Variation ID: 2174642). An algorithm developed to predict the effect of missense changes on protein structure and function outputs the following: PolyPhen-2: "Benign". The glutamine amino acid residue is found in multiple mammalian species, which suggests that this missense change does not adversely affect protein function. In summary, the available evidence is currently insufficient to determine the role of this variant in disease. Therefore, it has been classified as a Variant of Uncertain Significance.

Ambry Genetics
Classification: Likely benign. Last evaluated: 2025-07-01. Review status: criteria provided, single submitter. Criteria: Ambry Variant Classification Scheme 2023. Collection method: clinical testing. Allele origin: germline.

Fulgent Genetics
Classification: Uncertain significance for Paget disease of bone 6. Last evaluated: 2024-06-11. Review status: criteria provided, single submitter. Criteria: ACMG Guidelines, 2015. Collection method: clinical testing. Allele origin: germline.